The following is an entry in ClinVar:

NM_001148.6(ANK2):c.9900C>A (p.Ser3300Arg)

Gene: ANK2 (ankyrin 2; plus strand). Cytogenetic location: 4q26.
Variant type: single nucleotide variant.
Coding change: c.9900C>A on transcript NM_001148.6 (MANE Select); coding-DNA position 9900, C replaced by A.
Protein change: p.Ser3300Arg; replaces serine 3300 with arginine.
Molecular consequence: missense variant. On other transcripts: intron variant (68).
Genome position (GRCh38, 1-based): chr4:113,358,518, C>A. VCF-style: chr4-113358518-C-A. GRCh37 (hg19) VCF-style: chr4-114279674-C-A.
Other names: c.9900C>A (NM_001148.5); c.9666C>A, p.Ser3222Arg (NM_001386142.1); c.6300C>A, p.Ser2100Arg (NM_001386166.1); c.10041C>A, p.Ser3347Arg (NM_001386174.1); c.10017C>A, p.Ser3339Arg (NM_001386175.1); c.4412-2305C>A (NM_001386186.2, NM_001386148.2); c.4214-2305C>A (NM_001354269.3); c.4292-2305C>A (NM_001386187.2); and 36 more; short protein forms S3300R, S2100R, S3222R, S3339R, S3347R.
Identifiers: ClinVar variation 191563 (VCV000191563.51), dbSNP rs34270799, ClinGen allele CA199902.
Genomic context (GRCh38, chr4:113,358,518, plus strand): 5'-ACAGAAATCAGTAATCGAGATTCCTACTGCACCCATGGAGAATGTGCCTTTTACTGAAAG[C>A]AAATCCAAAATTCCTGTAAGGACTATGCCCACTTCCACCCCAGCACCTCCATCTGCAGAG-3'
Protein context (NP_001139.3, residues 3290-3310): APMENVPFTE[Ser3300Arg]KSKIPVRTMP

ClinVar aggregate classification (germline): Benign/Likely benign. Review status: criteria provided, multiple submitters, no conflicts (2 of 4 stars). 14 submissions from 14 submitters: Benign (10); Likely benign (3). 1 of the submissions does not count toward it. Last evaluated 2026-09-01.

Conditions:
Cardiovascular phenotype. Identifiers: MedGen CN230736.
Long QT syndrome (LQTS). Identifiers: MedGen C0023976, MeSH D008133, MONDO:0002442. Disease mechanism: loss of function. Inheritance: Various modes of inheritance.
Cardiac arrhythmia, ankyrin-B-related. Also called: ANKYRIN-B SYNDROME. Identifiers: Orphanet 101016, Orphanet 768, MedGen C1970119, MONDO:0010958, OMIM 600919.

Allele frequency attached by ClinVar (database versions not stated): 1000 Genomes Project 0.00998; 1000 Genomes Project 30x 0.01046; TOPMed 0.01715; ExAC 0.01883; gnomAD exomes 0.01916 and 0.02554; gnomAD 0.01942 and 0.01986; ESP Exome Variant Server 0.02276.
gnomAD v4.1: 40,217 of 1,614,042 alleles (2.5%); highest among the groups gnomAD compares: Non-Finnish European, 2.9%; 586 homozygotes.

Submissions (14):

CeGaT Center for Human Genetics Tuebingen
Classification: Benign. Last evaluated: 2026-09-01. Review status: criteria provided, single submitter. Criteria: CeGaT Center For Human Genetics Tuebingen Variant Classification Criteria Version 2. Collection method: clinical testing. Allele origin: germline. Affected: yes. Observed: 32 variant alleles.
Comment: ANK2: BS1, BS2

Labcorp Genetics (formerly Invitae), Labcorp
Classification: Benign for Long QT syndrome. Last evaluated: 2026-01-27. Review status: criteria provided, single submitter. Criteria: Invitae Variant Classification Sherloc (09022015). Collection method: clinical testing. Allele origin: germline.

Molecular Diagnostic Laboratory for Inherited Cardiovascular Disease, Montreal Heart Institute
Classification: Likely benign. Last evaluated: 2025-04-09. Review status: criteria provided, single submitter. Criteria: ACMG Guidelines, 2015. Collection method: clinical testing. Allele origin: germline. Affected: no.

Blueprint Genetics
Classification: Benign. Last evaluated: 2024-11-21. Review status: criteria provided, single submitter. Criteria: ACMG Guidelines, 2015. Collection method: clinical testing. Allele origin: germline.

ARUP Laboratories, Molecular Genetics and Genomics, ARUP Laboratories
Classification: Benign. Last evaluated: 2023-11-29. Review status: criteria provided, single submitter. Criteria: ARUP Molecular Germline Variant Investigation Process 2024. Collection method: clinical testing. Allele origin: germline.

Genome-Nilou Lab
Classification: Benign for Cardiac arrhythmia, ankyrin-B-related. Last evaluated: 2021-12-05. Review status: criteria provided, single submitter. Criteria: ACMG Guidelines, 2015. Collection method: clinical testing. Allele origin: germline. Affected: no.

Illumina Laboratory Services, Illumina
Classification: Benign for Cardiac arrhythmia, ankyrin-B-related. Last evaluated: 2018-01-12. Review status: criteria provided, single submitter. Criteria: ICSL Variant Classification Criteria 13 December 2019. Collection method: clinical testing. Allele origin: germline.
Comment: This variant was observed in the ICSL laboratory as part of a predisposition screen in an ostensibly healthy population. It had not been previously curated by ICSL or reported in the Human Gene Mutation Database (HGMD: prior to June 1st, 2018), and was therefore a candidate for classification through an automated scoring system. Utilizing variant allele frequency, disease prevalence and penetrance estimates, and inheritance mode, an automated score was calculated to assess if this variant is too frequent to cause the disease. Based on the score and internal cut-off values, a variant classified as benign is not then subjected to further curation. The score for this variant resulted in a classification of benign for this disease.

Ambry Genetics
Classification: Benign for Cardiovascular phenotype. Last evaluated: 2015-07-27. Review status: criteria provided, single submitter. Criteria: Ambry Variant Classification Scheme 2023. Collection method: clinical testing. Allele origin: germline.

GeneDx
Classification: Benign. Last evaluated: 2015-03-03. Review status: criteria provided, single submitter. Criteria: GeneDx Variant Classification Process June 2021. Collection method: clinical testing. Allele origin: germline. Affected: yes.

Genome Diagnostics Laboratory, University Medical Center Utrecht
Classification: Likely benign for Cardiac arrhythmia, ankyrin-B-related. Last evaluated: 2014-10-09. Review status: criteria provided, single submitter. Criteria: ACGS Guidelines, 2013. Collection method: clinical testing. Allele origin: germline. Affected: yes. Study: VKGL Data-share Consensus.

Biesecker Lab/Clinical Genomics Section, National Institutes of Health
Classification: Benign. Last evaluated: 2013-06-24. Review status: criteria provided, single submitter. Criteria: Ng et al. (Circ Cardiovasc Genet. 2013). Collection method: research. Allele origin: unknown. Observed: 39 variant alleles. Study: ClinSeq.
Comment: The study set was not selected for affection status in relation to any cancer. Pathogenicity categories were based on literature curation. See Pubmed ID:23861362 for details.

Medical sequencing

Breakthrough Genomics
Classification: Likely benign. Review status: criteria provided, single submitter. Criteria: ACMG Guidelines, 2015. Collection method: not provided. Allele origin: germline. Inheritance: Autosomal dominant inheritance. Affected: yes.

PreventionGenetics, part of Exact Sciences
Classification: Benign. Review status: criteria provided, single submitter. Criteria: ACMG Guidelines, 2015. Collection method: clinical testing. Allele origin: germline.

Clinical Genetics, Academic Medical Center
Classification: Benign. Review status: no assertion criteria provided. Collection method: clinical testing. Allele origin: germline. Affected: yes. Study: VKGL Data-share Consensus. Not counted in ClinVar's aggregate classification.